The following is an entry in ClinVar:

ClinVar aggregate classification (germline): Likely pathogenic (1 of 4 stars; one submission).

Conditions:
Imerslund-Grasbeck syndrome. Also called: Megaloblastic anemia due to inborn errors of metabolism; Imerslund-Gräsbeck syndrome; ENTEROCYTE COBALAMIN MALABSORPTION; ENTEROCYTE INTRINSIC FACTOR RECEPTOR, DEFECT OF; PERNICIOUS ANEMIA, JUVENILE, DUE TO SELECTIVE INTESTINAL MALABSORPTION OF VITAMIN B12, WITH PROTEINURIA. Identifiers: Orphanet 35858, MedGen C4551825, MONDO:0009853.

Allele frequency attached by ClinVar (database versions not stated): TOPMed below 0.00001.

Submission:

Labcorp Genetics (formerly Invitae), Labcorp
Classification: Likely pathogenic for Imerslund-Grasbeck syndrome. Last evaluated: 2023-05-13. Review status: criteria provided, single submitter. Criteria: Invitae Variant Classification Sherloc (09022015). Collection method: clinical testing. Allele origin: germline.
Comment: In summary, the currently available evidence indicates that the variant is pathogenic, but additional data are needed to prove that conclusively. Therefore, this variant has been classified as Likely Pathogenic. Algorithms developed to predict the effect of sequence changes on RNA splicing suggest that this variant may disrupt the consensus splice site. This variant has not been reported in the literature in individuals affected with AMN-related conditions. This variant is not present in population databases (gnomAD no frequency). This sequence change affects a splice site in intron 5 of the AMN gene. It is expected to disrupt RNA splicing. Variants that disrupt the donor or acceptor splice site typically lead to a loss of protein function (PMID: 16199547), and loss-of-function variants in AMN are known to be pathogenic (PMID: 12590260, 22929189).

Literature cited by the submitters: PubMed 16199547; PubMed 12590260; PubMed 22929189.

NM_030943.4(AMN):c.513+2del

Gene: AMN (amnion associated transmembrane protein; plus strand). Cytogenetic location: 14q32.32.
Variant type: Deletion.
Coding change: c.513+2del on transcript NM_030943.4 (MANE Select); the canonical splice donor site of the intron after coding-DNA position 513, one base deleted (T; older notation c.513+2delT).
Molecular consequence: splice donor variant.
Genome position (GRCh38, 1-based): chr14:102,928,977, T deleted. VCF-style (leftmost placement, unchanged base first): chr14-102928976-GT-G. GRCh37 (hg19) VCF-style: chr14-103395313-GT-G.
Identifiers: ClinVar variation 2987822 (VCV002987822.3), dbSNP rs1891261476, ClinGen allele CA2160051979.